The following is an entry in ClinVar:

ClinVar aggregate classification (germline): Uncertain significance (1 of 4 stars; one submission).

Allele frequency attached by ClinVar (database versions not stated): gnomAD exomes below 0.00001; TOPMed below 0.00001; ExAC 0.00001; gnomAD 0.00001.
gnomAD v4.1: 5 of 1,613,596 alleles (0.00031%); highest among the groups gnomAD compares: African/African-American, 0.004%; no homozygotes.

Submission:

Labcorp Genetics (formerly Invitae), Labcorp
Classification: Uncertain significance. Last evaluated: 2021-10-11. Review status: criteria provided, single submitter. Criteria: Invitae Variant Classification Sherloc (09022015). Collection method: clinical testing. Allele origin: germline.
Comment: In summary, the available evidence is currently insufficient to determine the role of this variant in disease. Therefore, it has been classified as a Variant of Uncertain Significance. Experimental studies and prediction algorithms are not available or were not evaluated, and the functional significance of this variant is currently unknown. This variant has not been reported in the literature in individuals affected with COL18A1-related conditions. This variant is present in population databases (rs760127889, ExAC 0.006%). This sequence change replaces proline with leucine at codon 549 of the COL18A1 protein (p.Pro549Leu). There is a moderate physicochemical difference between proline and leucine.

NM_001379500.1(COL18A1):c.1646C>T (p.Pro549Leu)

Gene: COL18A1 (collagen type XVIII alpha 1 chain; plus strand). Cytogenetic location: 21q22.3.
Variant type: single nucleotide variant.
Coding change: c.1646C>T on transcript NM_001379500.1 (MANE Select); coding-DNA position 1646, C replaced by T.
Protein change: p.Pro549Leu; replaces proline 549 with leucine.
Molecular consequence: missense variant.
Genome position (GRCh38, 1-based): chr21:45,481,997, C>T. VCF-style: chr21-45481997-C-T. GRCh37 (hg19) VCF-style: chr21-46901911-C-T.
Other names: c.2186C>T, p.Pro729Leu (NM_030582.4); c.2891C>T, p.Pro964Leu (NM_130444.3); short protein forms P964L, P549L, P729L.
Identifiers: ClinVar variation 1420284 (VCV001420284.6), dbSNP rs760127889, ClinGen allele CA10066436.